The following is an entry in ClinVar:

ClinVar aggregate classification (germline): Pathogenic (1 of 4 stars; one submission).

Conditions:
Maple syrup urine disease type 2 (MSUD2). Also called: Maple syrup urine disease, type II. Identifiers: MedGen C1855371, MONDO:0023693, OMIM 620699.

Submission:

Myriad Genetics, Inc.
Classification: Pathogenic for Maple syrup urine disease type 2. Last evaluated: 2026-05-07. Review status: criteria provided, single submitter. Criteria: Myriad Autosomal Dominant, Autosomal Recessive and X-Linked Classification Criteria (2023). Collection method: clinical testing. Allele origin: unknown.
Comment: NM_001918.3(DBT):c.363_364insG(Y122Vfs*3) is a frameshift variant classified as pathogenic in the context of maple syrup urine disease type II. Y122Vfs*3 has not been observed in cases with relevant disease. Relevant functional assessments of this variant are not available in the literature. Y122Vfs*3 has not been observed in referenced population frequency databases. In summary, NM_001918.3(DBT):c.363_364insG(Y122Vfs*3) is a frameshift variant in a gene where loss of function is a known mechanism of disease and is predicted to disrupt protein function. Please note: this variant was assessed in the context of healthy population screening.

NM_001918.5(DBT):c.363_364insG (p.Tyr122fs)

Gene: DBT (dihydrolipoamide branched chain transacylase E2; minus strand). Cytogenetic location: 1p21.2.
Variant type: Insertion.
Coding change: c.363_364insG on transcript NM_001918.5 (MANE Select); coding-DNA positions 363 to 364, G inserted.
Protein change: p.Tyr122fs; shifts the reading frame from tyrosine 122.
Molecular consequence: frameshift variant. On other transcripts: 5 prime UTR variant (2), non-coding transcript variant (3).
Genome position: GRCh38 VCF-style: chr1-100230802-A-AC. GRCh37 (hg19) VCF-style: chr1-100696358-A-AC.
Other names: c.-181_-180insG (NM_001399969.1, NM_001399972.1); short protein forms Y122fs.
Identifiers: ClinVar variation 5003752 (VCV005003752.1).
Genomic context (GRCh38, chr1:100,230,802, plus strand): 5'-CTTCCGTTTCTATGTCTACTAATGGCTTCCCCACATAGGCAATATCGTCTAGATTATAAT[A>AC]GAGTTTTTTAATGACTCCATCATAACGACTAGTGATGGTAACAGAAGCTTTATCACTTTG-3'